The following is an entry in ClinVar:

NM_001649.4(SHROOM2):c.1318G>A (p.Ala440Thr)

Gene: SHROOM2 (shroom family member 2; plus strand). Cytogenetic location: Xp22.2.
Variant type: single nucleotide variant.
Coding change: c.1318G>A on transcript NM_001649.4 (MANE Select); coding-DNA position 1318, G replaced by A.
Protein change: p.Ala440Thr; replaces alanine 440 with threonine.
Molecular consequence: missense variant.
Genome position (GRCh38, 1-based): chrX:9,895,226, G>A. VCF-style: chrX-9895226-G-A. GRCh37 (hg19) VCF-style: chrX-9863266-G-A.
Other names: short protein forms A440T.
Identifiers: ClinVar variation 3037727 (VCV003037727.2), dbSNP rs151274823, ClinGen allele CA10345376.
Genomic context (GRCh38, chrX:9,895,226, plus strand): 5'-CCTCAGTCTCCTCATAGCGGCCGACACCCTCCCCTATACAGCGACCACAGCCCCCTCTGT[G>A]CTGACAGCCTTGGGCAGGAGCCAGGGGCTGCCAGCTTCCAGAACGACAGCCCTCCTCAGG-3'
Protein context (NP_001640.1, residues 430-450): PLYSDHSPLC[Ala440Thr]DSLGQEPGAA

ClinVar aggregate classification (germline): Likely benign (0 of 4 stars; one submission).

Conditions:
SHROOM2-related disorder. Also called: SHROOM2-related condition.

Allele frequency attached by ClinVar (database versions not stated): TOPMed 0.00114; gnomAD 0.00126; 1000 Genomes Project 0.00159; ESP Exome Variant Server 0.00170; 1000 Genomes Project 30x 0.00187; gnomAD exomes 0.00197; ExAC 0.00226.
gnomAD v4.1: 2,293 of 1,201,610 alleles (0.19%); highest among the groups gnomAD compares: South Asian, 1.1%; 6 homozygotes.

Submission:

PreventionGenetics, part of Exact Sciences
Classification: Likely benign for SHROOM2-related condition. Last evaluated: 2019-05-02. Review status: no assertion criteria provided. Collection method: clinical testing. Allele origin: germline.
Comment: This variant is classified as likely benign based on ACMG/AMP sequence variant interpretation guidelines (Richards et al. 2015 PMID: 25741868, with internal and published modifications).